The following is an entry in ClinVar:

NM_000045.4(ARG1):c.666-2_668del

Genes: ARG1 (arginase 1; plus strand), MED23 (mediator complex subunit 23; minus strand). Cytogenetic location: 6q23.2.
Variant type: Deletion.
Coding change: c.666-2_668del on transcript NM_000045.4 (MANE Select); the canonical splice acceptor site of the intron before coding-DNA position 666 through coding-DNA position 668, 5 bases deleted (AGAAA; older notation c.666-2_668delAGAAA).
Molecular consequence: splice acceptor variant. On other transcripts: intron variant (2).
Genome position (GRCh38, 1-based): chr6:131,583,353-131,583,357, AGAAA deleted; deleting any 5 consecutive bases within chr6:131,583,350-131,583,357 gives the same sequence; the c. name uses the placement nearest the transcript's 3' end. VCF-style (leftmost placement, unchanged base first): chr6-131583349-TAAAAG-T. GRCh37 (hg19) VCF-style: chr6-131904489-TAAAAG-T.
Other names: c.690-2_692del (NM_001244438.2); c.411-2_413del (NM_001369020.1); c.4077+4355_4077+4359del (NM_001270521.2); c.4095+4355_4095+4359del (NM_015979.4).
Identifiers: ClinVar variation 3700018 (VCV003700018.2).

ClinVar aggregate classification (germline): Likely pathogenic (1 of 4 stars; one submission).

Conditions:
Arginase deficiency. Also called: Arginase 1 Deficiency; ARGININEMIA; ARG1 DEFICIENCY. Identifiers: Orphanet 90, MedGen C0268548, MONDO:0008814, OMIM 207800.

Submission:

Labcorp Genetics (formerly Invitae), Labcorp
Classification: Likely pathogenic for Arginase deficiency. Last evaluated: 2024-01-27. Review status: criteria provided, single submitter. Criteria: Invitae Variant Classification Sherloc (09022015). Collection method: clinical testing. Allele origin: germline.
Comment: This variant results in the deletion of part of exon 7 (c.666-2_668del) of the ARG1 gene. It is expected to disrupt RNA splicing. Variants that disrupt the donor or acceptor splice site typically lead to a loss of protein function (PMID: 16199547), and loss-of-function variants in ARG1 are known to be pathogenic (PMID: 7649538, 12052859). This variant is not present in population databases (gnomAD no frequency). This variant has not been reported in the literature in individuals affected with ARG1-related conditions. In summary, the currently available evidence indicates that the variant is pathogenic, but additional data are needed to prove that conclusively. Therefore, this variant has been classified as Likely Pathogenic.

Literature cited by the submitters: PubMed 16199547; PubMed 7649538; PubMed 12052859.